The following is an entry in ClinVar:

ClinVar aggregate classification (germline): Pathogenic. Review status: criteria provided, multiple submitters, no conflicts (2 of 4 stars). 4 submissions from 4 submitters: Pathogenic (4). Last evaluated 2026-04-14.

Conditions:
Progressive familial intrahepatic cholestasis type 1. Also called: Severe ATP8B1 Deficiency (Progressive Familial Intrahepatic Cholestasis Type 1 [PFIC1]); BYLER DISEASE; Byler's disease. Identifiers: Orphanet 79306, MedGen C4551898, MONDO:0008892, OMIM 211600.
Benign recurrent intrahepatic cholestasis type 1. Also called: SUMMERSKILL SYNDROME; Mild-to-Moderate ATP8B1 Deficiency (Benign Recurrent Intrahepatic Cholestasis 1 [BRIC1]). Identifiers: Orphanet 65682, Orphanet 99960, MedGen C4551899, MONDO:0009469, OMIM 243300.
Familial intrahepatic cholestasis. Identifiers: Orphanet 284385, MedGen CN296401, MONDO:0017290.
Familial intrahepatic cholestasis type 1.

Submissions (4):

Genomenon, Inc
Classification: Pathogenic for Familial intrahepatic cholestasis. Last evaluated: 2026-04-14. Review status: criteria provided, single submitter. Criteria: Genomenon Sequence Variant Interpretation Standards - Updated. Collection method: curation. Allele origin: germline. Affected: yes.
Comment: ATP8B1 p.Gly197LeufsTer10 (c.589_592delinsCTCCA) is a frameshift variant that results in the production of a truncated protein which is predicted to undergo nonsense-mediated mRNA decay. This variant has been observed in at least one proband with features of ATP8B1-deficiency (PMID:37697751;35535065;28064265). It is absent or not present at a significant frequency in gnomAD. In conclusion, we classify ATP8B1 p.Gly197LeufsTer10 (c.589_592delinsCTCCA) as a pathogenic variant.

Baylor Genetics
Classification: Pathogenic for Benign recurrent intrahepatic cholestasis type 1. Last evaluated: 2023-09-06. Review status: criteria provided, single submitter. Criteria: ACMG Guidelines, 2015. Collection method: clinical testing. Allele origin: unknown.

Rolfs Rare Disease Consulting, Rolfs Consulting Und Verwaltungs GmbH
Classification: Pathogenic for Progressive familial intrahepatic cholestasis type 1. Last evaluated: 2019-01-01. Review status: criteria provided, single submitter. Criteria: ACMG Guidelines, 2015. Collection method: clinical testing. Allele origin: germline. Affected: yes.

CENTOGENE GmbH and LLC - Guiding Precision Medicine
Classification: Pathogenic for Familial intrahepatic cholestasis type 1. Review status: criteria provided, single submitter. Criteria: ACMG Guidelines, 2015. Collection method: clinical testing. Allele origin: germline. Affected: yes.

Literature cited by the submitters: PubMed 37697751 (cited by Genomenon, Inc); PubMed 35535065 (cited by Genomenon, Inc); PubMed 28064265 (cited by Genomenon, Inc).

NM_001374385.1(ATP8B1):c.589_592delinsCTCCA (p.Gly197fs)

Gene: ATP8B1 (ATPase phospholipid transporting 8B1; minus strand). Cytogenetic location: 18q21.31.
Variant type: Indel.
Coding change: c.589_592delinsCTCCA on transcript NM_001374385.1 (MANE Select); coding-DNA positions 589 to 592, GGAG replaced by CTCCA.
Protein change: p.Gly197fs; shifts the reading frame from glycine 197.
Molecular consequence: frameshift variant.
Genome position (GRCh38, 1-based): chr18:57,697,830-57,697,833, CTCC replaced by TGGAG on the plus strand (GGAG replaced by CTCCA on the coding strand, the reverse complement: ATP8B1 is on the minus strand). VCF-style: chr18-57697830-CTCC-TGGAG. GRCh37 (hg19) VCF-style: chr18-55365062-CTCC-TGGAG.
Other names: c.439_442delinsCTCCA, p.Gly147fs (NM_001374386.1); c.589_592delinsCTCCA, p.Gly197fs (NM_005603.6); short protein forms G197fs, G147fs.
Identifiers: ClinVar variation 973551 (VCV000973551.4), dbSNP rs1912903065, ClinGen allele CA1139666128.